The following is an entry in ClinVar:

NM_002519.3(NPAT):c.938A>G (p.Gln313Arg)

Gene: NPAT (nuclear protein, coactivator of histone transcription; minus strand). Cytogenetic location: 11q22.3.
Variant type: single nucleotide variant.
Coding change: c.938A>G on transcript NM_002519.3 (MANE Select); coding-DNA position 938, A replaced by G.
Protein change: p.Gln313Arg; replaces glutamine 313 with arginine.
Molecular consequence: missense variant.
Genome position (GRCh38, 1-based): chr11:108,177,059, T>C on the plus strand (A>G on the coding strand, the complement: NPAT is on the minus strand). VCF-style: chr11-108177059-T-C. GRCh37 (hg19) VCF-style: chr11-108047786-T-C.
Other names: c.938A>G, p.Gln313Arg (NM_001321307.1); short protein forms Q313R.
Identifiers: ClinVar variation 1766759 (VCV001766759.2), dbSNP rs1026724368, ClinGen allele CA228391233.
Genomic context (GRCh38, chr11:108,177,059, plus strand): 5'-TCAAAGAGATCAAAGAGTGCCTGAAATGCTGGGTCTGATTCTGTCTGTTCCAATATGTCC[T>C]GTATAGCTTCTTCAGACATGTGAATTTCACTCTGCAAGAAAGGAGTGGCGTGAAGGCATG-3'
Protein context (NP_002510.2, residues 303-323): SEIHMSEEAI[Gln313Arg]DILEQTESDP

ClinVar aggregate classification (germline): Uncertain significance (1 of 4 stars; one submission).

Allele frequency attached by ClinVar (database versions not stated): gnomAD exomes below 0.00001; gnomAD 0.00003.
gnomAD v4.1: 8 of 1,613,012 alleles (0.0005%); highest among the groups gnomAD compares: African/African-American, 0.004%; no homozygotes.

Submission:

Ambry Genetics
Classification: Uncertain significance. Last evaluated: 2024-03-09. Review status: criteria provided, single submitter. Criteria: Ambry Variant Classification Scheme 2023. Collection method: clinical testing. Allele origin: germline.
Comment: The p.Q313R variant (also known as c.938A>G), located in coding exon 11 of the NPAT gene, results from an A to G substitution at nucleotide position 938. The glutamine at codon 313 is replaced by arginine, an amino acid with highly similar properties. This amino acid position is conserved. In addition, this alteration is predicted to be tolerated by in silico analysis. Since supporting evidence is limited at this time, the clinical significance of this alteration remains unclear.